The following is an entry in ClinVar:

NM_000243.3(MEFV):c.1501C>G (p.Arg501Gly)

Gene: MEFV (MEFV innate immunity regulator, pyrin; minus strand). Cytogenetic location: 16p13.3.
Variant type: single nucleotide variant.
Coding change: c.1501C>G on transcript NM_000243.3 (MANE Select); coding-DNA position 1501, C replaced by G.
Protein change: p.Arg501Gly; replaces arginine 501 with glycine.
Molecular consequence: missense variant.
Genome position (GRCh38, 1-based): chr16:3,247,102, G>C on the plus strand (C>G on the coding strand, the complement: MEFV is on the minus strand). VCF-style: chr16-3247102-G-C. GRCh37 (hg19) VCF-style: chr16-3297102-G-C.
Other names: c.868C>G, p.Arg290Gly (NM_001198536.2); short protein forms R501G, R290G.
Identifiers: ClinVar variation 97447 (VCV000097447.8), dbSNP rs104895101, ClinGen allele CA280409.

ClinVar aggregate classification (germline): Conflicting classifications of pathogenicity. Review status: criteria provided, conflicting classifications (1 of 4 stars). 7 submissions from 5 submitters: Uncertain significance (4); Likely benign (2). 1 of the submissions does not count toward it. Last evaluated 2026-01-15.

Conditions:
Familial Mediterranean fever (FMF). Also called: POLYSEROSITIS, FAMILIAL PAROXYSMAL; POLYSEROSITIS, RECURRENT; Periodic peritonitis; Benign paroxysmal peritonitis. Identifiers: Orphanet 342, MedGen C0031069, MONDO:0018088, OMIM 249100. Disease mechanism: gain of function.
Familial Mediterranean fever, autosomal dominant. Also called: FMF, AUTOSOMAL DOMINANT; Dominant Familial Mediterranean Fever. Identifiers: Orphanet 342, MedGen C1851347, MONDO:0007601, OMIM 134610.
Acute febrile neutrophilic dermatosis (AFND). Also called: Gomm Button disease; Sweet Syndrome. Identifiers: Orphanet 3243, MedGen C0085077, MONDO:0011959, OMIM 608068.

Submissions (7):

Labcorp Genetics (formerly Invitae), Labcorp
Classification: Uncertain significance for Familial Mediterranean fever. Last evaluated: 2026-01-15. Review status: criteria provided, single submitter. Criteria: Invitae Variant Classification Sherloc (09022015). Collection method: clinical testing. Allele origin: germline.
Comment: This sequence change replaces arginine, which is basic and polar, with glycine, which is neutral and non-polar, at codon 501 of the MEFV protein (p.Arg501Gly). This variant is not present in population databases (gnomAD no frequency). This variant has not been reported in the literature in individuals affected with MEFV-related conditions. ClinVar contains an entry for this variant (Variation ID: 97447). An algorithm developed to predict the effect of missense changes on protein structure and function (PolyPhen-2) suggests that this variant is likely to be tolerated. In summary, the available evidence is currently insufficient to determine the role of this variant in disease. Therefore, it has been classified as a Variant of Uncertain Significance.

Genome-Nilou Lab
Classification: Uncertain significance for Familial Mediterranean fever. Last evaluated: 2023-02-08. Review status: criteria provided, single submitter. Criteria: ACMG Guidelines, 2015. Collection method: clinical testing. Allele origin: germline.

Genome-Nilou Lab
Classification: Likely benign for Familial Mediterranean fever, autosomal dominant. Last evaluated: 2023-02-08. Review status: criteria provided, single submitter. Criteria: ACMG Guidelines, 2015. Collection method: clinical testing. Allele origin: germline.

Genome-Nilou Lab
Classification: Likely benign for Acute febrile neutrophilic dermatosis. Last evaluated: 2023-02-08. Review status: criteria provided, single submitter. Criteria: ACMG Guidelines, 2015. Collection method: clinical testing. Allele origin: germline.

Fulgent Genetics
Classification: Uncertain significance for Familial Mediterranean fever, autosomal dominant; Familial Mediterranean fever; Acute febrile neutrophilic dermatosis. Last evaluated: 2022-03-05. Review status: criteria provided, single submitter. Criteria: ACMG Guidelines, 2015. Collection method: clinical testing. Allele origin: unknown.

Mendelics
Classification: Uncertain significance for Familial Mediterranean fever. Last evaluated: 2019-05-28. Review status: criteria provided, single submitter. Criteria: Mendelics Assertion Criteria 2017. Collection method: clinical testing. Allele origin: unknown.

Unité médicale des maladies autoinflammatoires, CHRU Montpellier
No classification provided. Condition: Familial Mediterranean fever. Review status: no classification provided. Collection method: not provided. Allele origin: unknown. Not counted in ClinVar's aggregate classification.